The following is an entry in ClinVar:

NM_003265.3(TLR3):c.991C>T (p.Arg331Trp)

Gene: TLR3 (toll like receptor 3; plus strand). Cytogenetic location: 4q35.1.
Variant type: single nucleotide variant.
Coding change: c.991C>T on transcript NM_003265.3 (MANE Select); coding-DNA position 991, C replaced by T.
Protein change: p.Arg331Trp; replaces arginine 331 with tryptophan.
Molecular consequence: missense variant.
Genome position (GRCh38, 1-based): chr4:186,082,677, C>T. VCF-style: chr4-186082677-C-T. GRCh37 (hg19) VCF-style: chr4-187003831-C-T.
Other names: c.991C>T (NM_003265.2); short protein forms R331W.
Identifiers: ClinVar variation 1362776 (VCV001362776.9), dbSNP rs776938784, ClinGen allele CA3161339.

ClinVar aggregate classification (germline): Uncertain significance. Review status: criteria provided, multiple submitters, no conflicts (2 of 4 stars). 2 submissions from 2 submitters: Uncertain significance (2). Last evaluated 2025-10-27.

Conditions:
Encephalopathy, acute, infection-induced (herpes-specific), susceptibility to, 1. Also called: Herpes simplex encephalitis, susceptibility to, 1. Identifiers: Orphanet 1930, MedGen C2750180, MONDO:0024563, OMIM 610551.

Allele frequency attached by ClinVar (database versions not stated): gnomAD 0.00007 and 0.00008; gnomAD exomes 0.00005 and 0.00009; TOPMed 0.00007; ExAC 0.00002.

Submissions (2):

Labcorp Genetics (formerly Invitae), Labcorp
Classification: Uncertain significance for Encephalopathy, acute, infection-induced (herpes-specific), susceptibility to, 1. Last evaluated: 2025-10-27. Review status: criteria provided, single submitter. Criteria: Invitae Variant Classification Sherloc (09022015). Collection method: clinical testing. Allele origin: germline.
Comment: This sequence change replaces arginine, which is basic and polar, with tryptophan, which is neutral and slightly polar, at codon 331 of the TLR3 protein (p.Arg331Trp). This variant is present in population databases (rs776938784, gnomAD 0.01%). This variant has not been reported in the literature in individuals affected with TLR3-related conditions. ClinVar contains an entry for this variant (Variation ID: 1362776). An algorithm developed to predict the effect of missense changes on protein structure and function (PolyPhen-2) suggests that this variant is likely to be tolerated. In summary, the available evidence is currently insufficient to determine the role of this variant in disease. Therefore, it has been classified as a Variant of Uncertain Significance.

Ambry Genetics
Classification: Uncertain significance. Last evaluated: 2024-09-08. Review status: criteria provided, single submitter. Criteria: Ambry Variant Classification Scheme 2023. Collection method: clinical testing. Allele origin: germline.